The following is an entry in ClinVar:

NM_021956.5(GRIK2):c.2419G>A (p.Glu807Lys)

Gene: GRIK2 (glutamate ionotropic receptor kainate type subunit 2; plus strand). Cytogenetic location: 6q16.3.
Variant type: single nucleotide variant.
Coding change: c.2419G>A on transcript NM_021956.5 (MANE Select); coding-DNA position 2419, G replaced by A.
Protein change: p.Glu807Lys; replaces glutamic acid 807 with lysine.
Molecular consequence: missense variant.
Genome position (GRCh38, 1-based): chr6:102,055,437, G>A. VCF-style: chr6-102055437-G-A. GRCh37 (hg19) VCF-style: chr6-102503312-G-A.
Other names: c.2419G>A, p.Glu807Lys (NM_001166247.1, NM_175768.3); short protein forms E807K.
Identifiers: ClinVar variation 4070760 (VCV004070760.1).

ClinVar aggregate classification (germline): Uncertain significance (1 of 4 stars; one submission).

gnomAD v4.1: 1 of 1,613,804 alleles (0.000062%); highest among the groups gnomAD compares: African/African-American, 0.0013%; no homozygotes.

Submission:

GeneDx
Classification: Uncertain significance. Last evaluated: 2025-01-21. Review status: criteria provided, single submitter. Criteria: GeneDx Variant Classification Process June 2021. Collection method: clinical testing. Allele origin: germline. Affected: yes.
Comment: Not observed at significant frequency in large population cohorts (gnomAD); In silico analysis indicates that this missense variant does not alter protein structure/function; Has not been previously published as pathogenic or benign to our knowledge